The following is an entry in ClinVar:

NM_000246.4(CIITA):c.3150-5G>A

Gene: CIITA (class II major histocompatibility complex transactivator; plus strand). Cytogenetic location: 16p13.13.
Variant type: single nucleotide variant.
Coding change: c.3150-5G>A on transcript NM_000246.4 (MANE Select); 5 bases into the intron before coding-DNA position 3150, G replaced by A.
Molecular consequence: intron variant.
Genome position (GRCh38, 1-based): chr16:10,922,162, G>A. VCF-style: chr16-10922162-G-A. GRCh37 (hg19) VCF-style: chr16-11016019-G-A.
Other names: c.3153-5G>A (NM_001286402.1, NM_001379332.1); c.3006-5G>A (NM_001379330.1); c.3150-5G>A (NM_001379333.1); c.3003-5G>A (NM_001379331.1); c.1398-5G>A (NM_001286403.2); c.3081-5G>A (NM_001379334.1).
Identifiers: ClinVar variation 382147 (VCV000382147.10), dbSNP rs770158073, ClinGen allele CA7900707.

ClinVar aggregate classification (germline): Likely benign. Review status: criteria provided, multiple submitters, no conflicts (2 of 4 stars). 4 submissions from 4 submitters: Likely benign (4). Last evaluated 2024-12-23.

Conditions:
CIITA-related disorder. Also called: CIITA-related condition.
MHC class II deficiency. Also called: Bare lymphocyte syndrome 2; BLS, TYPE II. Identifiers: Orphanet 572, MedGen C5447452, MONDO:0008855.

Allele frequency attached by ClinVar (database versions not stated): TOPMed 0.00005; ExAC 0.00002; gnomAD exomes 0.00003; gnomAD 0.00005.
gnomAD v4.1: 65 of 1,613,994 alleles (0.004%); highest among the groups gnomAD compares: African/African-American, 0.0093%; no homozygotes.

Submissions (4):

PreventionGenetics, part of Exact Sciences
Classification: Likely benign for CIITA-related condition. Last evaluated: 2024-12-23. Review status: criteria provided, single submitter. Criteria: ACMG Guidelines, 2015. Collection method: clinical testing. Allele origin: germline.
Comment: This variant is classified as likely benign based on ACMG/AMP sequence variant interpretation guidelines (Richards et al. 2015 PMID: 25741868, with internal and published modifications).

Labcorp Genetics (formerly Invitae), Labcorp
Classification: Likely benign for MHC class II deficiency. Last evaluated: 2024-01-20. Review status: criteria provided, single submitter. Criteria: Invitae Variant Classification Sherloc (09022015). Collection method: clinical testing. Allele origin: germline.

Blueprint Genetics
Classification: Likely benign. Last evaluated: 2021-11-29. Review status: criteria provided, single submitter. Criteria: ACMG Guidelines, 2015. Collection method: clinical testing. Allele origin: germline.

GeneDx
Classification: Likely benign. Last evaluated: 2015-11-23. Review status: criteria provided, single submitter. Criteria: GeneDx Variant Classification (06012015). Collection method: clinical testing. Allele origin: germline. Affected: yes.
Comment: This variant is considered likely benign or benign based on one or more of the following criteria: it is a conservative change, it occurs at a poorly conserved position in the protein, it is predicted to be benign by multiple in silico algorithms, and/or has population frequency not consistent with disease.